The following is an entry in ClinVar:

ClinVar aggregate classification (germline): Uncertain significance (1 of 4 stars; one submission).

Conditions:
Gingival disorder. Also called: Gingival disease. Identifiers: MedGen C0017563, MONDO:0002021.

Allele frequency attached by ClinVar (database versions not stated): ExAC 0.00001; gnomAD 0.00001; gnomAD exomes 0.00003.
gnomAD v4.1: 42 of 1,613,910 alleles (0.0026%); highest among the groups gnomAD compares: South Asian, 0.033%; no homozygotes.

Submission:

Labcorp Genetics (formerly Invitae), Labcorp
Classification: Uncertain significance for Gingival disorder. Last evaluated: 2024-02-19. Review status: criteria provided, single submitter. Criteria: Invitae Variant Classification Sherloc (09022015). Collection method: clinical testing. Allele origin: germline.
Comment: This sequence change replaces glycine, which is neutral and non-polar, with arginine, which is basic and polar, at codon 40 of the FPR1 protein (p.Gly40Arg). This variant is present in population databases (rs750811701, gnomAD 0.02%). This variant has not been reported in the literature in individuals affected with FPR1-related conditions. ClinVar contains an entry for this variant (Variation ID: 1986345). An algorithm developed to predict the effect of missense changes on protein structure and function (PolyPhen-2) suggests that this variant is likely to be disruptive. In summary, the available evidence is currently insufficient to determine the role of this variant in disease. Therefore, it has been classified as a Variant of Uncertain Significance.

NM_002029.4(FPR1):c.118G>A (p.Gly40Arg)

Gene: FPR1 (formyl peptide receptor 1; minus strand). Cytogenetic location: 19q13.41.
Variant type: single nucleotide variant.
Coding change: c.118G>A on transcript NM_002029.4 (MANE Select); coding-DNA position 118, G replaced by A.
Protein change: p.Gly40Arg; replaces glycine 40 with arginine.
Molecular consequence: missense variant.
Genome position (GRCh38, 1-based): chr19:51,746,877, C>T on the plus strand (G>A on the coding strand, the complement: FPR1 is on the minus strand). VCF-style: chr19-51746877-C-T. GRCh37 (hg19) VCF-style: chr19-52250130-C-T.
Other names: c.118G>A, p.Gly40Arg (NM_001193306.2); short protein forms G40R.
Identifiers: ClinVar variation 1986345 (VCV001986345.4), dbSNP rs750811701, ClinGen allele CA9616527.
Genomic context (GRCh38, chr19:51,746,877, plus strand): 5'-TGACTGTGTGTGTCATCCGGAATCCAGCCACCCAGATCACAAGCCCGTTGCCCAGGACCC[C>T]GAGGACAAAGGTGACTGCAAATACCAGATAAGTGATGATATCCAGGAAGAGATAGCCAGC-3'
Protein context (NP_002020.1, residues 30-50): YLVFAVTFVL[Gly40Arg]VLGNGLVIWV